The following is an entry in ClinVar:

NM_001330078.2(NRXN1):c.772+1087A>G

Gene: NRXN1 (neurexin 1; minus strand). Cytogenetic location: 2p16.3.
Variant type: single nucleotide variant.
Coding change: c.772+1087A>G on transcript NM_001330078.2 (MANE Select); 1087 bases into the intron after coding-DNA position 772, A replaced by G.
Molecular consequence: intron variant. On other transcripts: missense variant (1).
Genome position (GRCh38, 1-based): chr2:51,026,415, T>C on the plus strand (A>G on the coding strand, the complement: NRXN1 is on the minus strand). VCF-style: chr2-51026415-T-C. GRCh37 (hg19) VCF-style: chr2-51253553-T-C.
Other names: c.827A>G, p.Gln276Arg (NM_001135659.3); c.772+1087A>G (NM_001330096.2, NM_001330087.2, NM_001330083.2 and 14 more transcripts); short protein forms Q276R.
Identifiers: ClinVar variation 2191428 (VCV002191428.4), dbSNP rs1159463700, ClinGen allele CA346823153.

ClinVar aggregate classification (germline): Uncertain significance (1 of 4 stars; one submission).

Conditions:
Pitt-Hopkins-like syndrome 2 (PTHSL2). Identifiers: Orphanet 221150, Orphanet 600663, MedGen C3280479, MONDO:0013690, OMIM 614325.

Allele frequency attached by ClinVar (database versions not stated): TOPMed below 0.00001; gnomAD 0.00001.

Submission:

Labcorp Genetics (formerly Invitae), Labcorp
Classification: Uncertain significance for Pitt-Hopkins-like syndrome 2. Last evaluated: 2025-08-20. Review status: criteria provided, single submitter. Criteria: Invitae Variant Classification Sherloc (09022015). Collection method: clinical testing. Allele origin: germline.
Comment: This sequence change replaces glutamine, which is neutral and polar, with arginine, which is basic and polar, at codon 276 of the NRXN1 protein (p.Gln276Arg). This variant is not present in population databases (gnomAD no frequency). This variant has not been reported in the literature in individuals affected with NRXN1-related conditions. ClinVar contains an entry for this variant (Variation ID: 2191428). An algorithm developed to predict the effect of missense changes on protein structure and function (PolyPhen-2) suggests that this variant is likely to be tolerated. In summary, the available evidence is currently insufficient to determine the role of this variant in disease. Therefore, it has been classified as a Variant of Uncertain Significance.